The following is an entry in ClinVar:

Single allele

Gene: TANGO2 (transport and golgi organization 2 homolog; plus strand). Cytogenetic location: 22q11.21.
Variant type: Deletion.
Identifiers: ClinVar variation 2671601 (VCV002671601.1).

ClinVar aggregate classification (germline): Pathogenic (1 of 4 stars; one submission).

Submission:

Illumina Laboratory Services, Illumina
Classification: Pathogenic. Last evaluated: 2023-07-25. Review status: criteria provided, single submitter. Criteria: ICSL CNVClassificationCriteria Aug2020. Collection method: clinical testing. Allele origin: unknown.
Comment: This CNV is a 33 kb deletion of 22q11.21 on chromosome 22 (seq[GRCh37]dup(22)(q11.21);NC_000022.10:g.20028654_20061617del). This CNV encompasses exons 3-9 of the TANGO2 gene. An ~34 kb deletion encompassing exons 3-9 is the most common variant reported in association with TANGO2 deficiency (PMID: 29369572). It is most common in the non-Finnish/European population, where it has an estimated allele frequency of 0.14% (PMID: 29369572; 26805782). Across a selection of the available literature, homozygous deletion of TANGO2 exons 3-9 has been reported in at least 12 unrelated patients (PMID: 26805781; 26805782; 31276219; 30245509; 19344873). The deletion has also been identified in trans with at least five other TANGO2 variants in individuals with a phenotype consistent withTANGO2 deficiency and to segregate with the phenotype in multiple families in the literature. This variant was found in a homozygous state. Based on the available evidence, this CNV is classified as pathogenic.